The following is an entry in ClinVar:

ClinVar aggregate classification (germline): Pathogenic (1 of 4 stars; one submission).

Submission:

Labcorp Genetics (formerly Invitae), Labcorp
Classification: Pathogenic. Last evaluated: 2021-09-26. Review status: criteria provided, single submitter. Criteria: Invitae Variant Classification Sherloc (09022015). Collection method: clinical testing. Allele origin: germline.
Comment: For these reasons, this variant has been classified as Pathogenic. This variant disrupts a region of the CPOX protein in which other variant(s) (p.Thr424Asnfs*18) have been determined to be pathogenic (PMID: 9298818; Invitae). This suggests that this is a clinically significant region of the protein, and that variants that disrupt it are likely to be disease-causing. This variant has not been reported in the literature in individuals affected with CPOX-related conditions. This variant is a gross deletion of the genomic region encompassing exon(s) 5-7 of the CPOX gene, which includes the termination codon. This deletion extends beyond the assayed region for this gene and therefore may encompass additional genes. While this deletion is not anticipated to lead to nonsense mediated decay, it is expected to alter mRNA translation or result in a truncated protein product.

Literature cited by the submitters: PubMed 9298818.

NC_000003.11:g.(?_98299527)_(98304523_?)del

Gene: CPOX (coproporphyrinogen oxidase; minus strand). Cytogenetic location: 3q11.2-12.1.
Variant type: Deletion.
Identifiers: ClinVar variation 1454519 (VCV001454519.4).